The following is an entry in ClinVar:

NM_006922.4(SCN3A):c.604T>C (p.Tyr202His)

Gene: SCN3A (sodium voltage-gated channel alpha subunit 3; minus strand). Cytogenetic location: 2q24.3.
Variant type: single nucleotide variant.
Coding change: c.604T>C on transcript NM_006922.4 (MANE Select); coding-DNA position 604, T replaced by C.
Protein change: p.Tyr202His; replaces tyrosine 202 with histidine.
Molecular consequence: missense variant. On other transcripts: intron variant (1).
Genome position (GRCh38, 1-based): chr2:165,163,708, A>G on the plus strand (T>C on the coding strand, the complement: SCN3A is on the minus strand). VCF-style: chr2-165163708-A-G. GRCh37 (hg19) VCF-style: chr2-166020218-A-G.
Other names: c.604T>C, p.Tyr202His (NM_001081676.2); c.694+94T>C (NM_001081677.2); short protein forms Y202H.
Identifiers: ClinVar variation 2869281 (VCV002869281.3), dbSNP rs202162785, ClinGen allele CA1939363.

ClinVar aggregate classification (germline): Uncertain significance (1 of 4 stars; one submission).

Allele frequency attached by ClinVar (database versions not stated): ExAC 0.00004; gnomAD 0.00005; 1000 Genomes Project 30x 0.00016; 1000 Genomes Project 0.00020.
gnomAD v4.1: 45 of 1,614,072 alleles (0.0028%); highest among the groups gnomAD compares: Non-Finnish European, 0.000085%; no homozygotes.

Submission:

Labcorp Genetics (formerly Invitae), Labcorp
Classification: Uncertain significance. Last evaluated: 2024-10-07. Review status: criteria provided, single submitter. Criteria: Invitae Variant Classification Sherloc (09022015). Collection method: clinical testing. Allele origin: germline.
Comment: This sequence change replaces tyrosine, which is neutral and polar, with histidine, which is basic and polar, at codon 202 of the SCN3A protein (p.Tyr202His). This variant is present in population databases (rs202162785, gnomAD 0.07%), and has an allele count higher than expected for a pathogenic variant. This variant has not been reported in the literature in individuals affected with SCN3A-related conditions. An algorithm developed to predict the effect of missense changes on protein structure and function (PolyPhen-2) suggests that this variant is likely to be disruptive. In summary, the available evidence is currently insufficient to determine the role of this variant in disease. Therefore, it has been classified as a Variant of Uncertain Significance.